The following continues an entry in ClinVar:

NM_000059.4(BRCA2):c.5660C>T (p.Thr1887Met)

Gene: BRCA2. ClinVar aggregate classification (germline): Conflicting classifications of pathogenicity. Uncertain significance (9); Likely benign (2).

Submissions 8 to 14 of 14:

University of Washington Department of Laboratory Medicine, University of Washington
Classification: Likely benign for Hereditary cancer-predisposing syndrome. Last evaluated: 2023-03-23. Review status: criteria provided, single submitter. Criteria: Dines et al. (Genet Med. 2020). Collection method: curation. Allele origin: germline.
Comment: Missense variant in a coldspot region where missense variants are very unlikely to be pathogenic (PMID:31911673).

BRCA2 exon 11 coldspot. Reclassification based on statistical prior probability.

GeneDx
Classification: Uncertain significance. Last evaluated: 2023-03-20. Review status: criteria provided, single submitter. Criteria: GeneDx Variant Classification Process June 2021. Collection method: clinical testing. Allele origin: germline. Affected: yes.
Comment: Present in individuals with breast and/or ovarian cancer, but also identified in unaffected controls (Hadjisavvas et al., 2004; Singh et al., 2018; Momozawa et al., 2018; Dorling et al., 2021; Kim et al., 2017); In silico analysis supports that this missense variant has a deleterious effect on protein structure/function; Also known as 5888C>T; This variant is associated with the following publications: (PMID: 15172753, Tabarestani2017[article], 32377563, 25348012, 22895193, 29884841, 28351343, 30287823, 27974384, 35373174, 33471991, 27882536, 29470806, 31871109)

Sema4
Classification: Uncertain significance for Hereditary cancer-predisposing syndrome. Last evaluated: 2022-02-02. Review status: criteria provided, single submitter. Criteria: Sema4 Curation Guidelines. Collection method: curation. Allele origin: germline.
Comment: The BRCA2 c.5660C>T (p.T1887M) variant has been reported in heterozygosity in at least 2 individuals with breast and/or ovarian cancer (PMID: 15172753, 29470806). It has been reported in large case-control studies of breast cancer in 7/60466 cases and 4/53461 controls (PMID: 33471991), in 3/7051 cases and 4/11241 controls (PMID: 30287823). This variant was observed in 6/249646 chromosomes across the populations in the large and broad cohorts in the Genome Aggregation Database (PMID: 32461654). This variant has been reported in ClinVar (Variation ID: 51901). Functional studies have not been performed, and in silico predictions of the variant's effect on protein function are inconclusive. The evidence is insufficient to meet ACMG/AMP criteria for classifying the variant as benign or pathogenic. Thus, the clinical significance of this variant is currently uncertain.

Department of Pathology and Laboratory Medicine, Sinai Health System
Classification: Uncertain significance for Familial cancer of breast; Breast-ovarian cancer, familial, susceptibility to, 2. Last evaluated: 2020-12-11. Review status: criteria provided, single submitter. Criteria: ACMG Guidelines, 2015. Collection method: clinical testing. Allele origin: germline. Affected: yes.

PreventionGenetics, part of Exact Sciences
Classification: Uncertain significance for BRCA2-related condition. Last evaluated: 2023-11-13. Review status: no assertion criteria provided. Collection method: clinical testing. Allele origin: germline. Not counted in ClinVar's aggregate classification.
Comment: The BRCA2 c.5660C>T variant is predicted to result in the amino acid substitution p.Thr1887Met. This variant has been reported in an individuals with a personal and/or family history of breast and/or ovarian cancer (Table 2, Hadjisavvas et al. 2004. PubMed ID: 15172753; Table S2, Loizidou et al. 2016. PubMed ID: 27882536; Singh et al. 2018. PubMed ID: 29470806; Sup. Data 1, Momozawa et al. 2018. PubMed ID: 30287823; Table S2, Okawa et al. 2022. PubMed ID: 36243179). It has been reported in individuals with biliary tract cancer (Table S2, Okawa et al. 2022. PubMed ID: 36243179). It has also been reported in a control individual from a breast cancer cohort study and a control individual from a biliary tract cancer cohort study (Sup. Data 2, Momozawa et al. 2018. PubMed ID: 30287823; Table S2, Okawa et al. 2022. PubMed ID: 36243179). This variant is reported in 0.011% of alleles in individuals of East Asian descent in gnomAD. This variant occurs within a region of the BRCA2 gene that is predicted to be tolerant to missense variation (Table 2, Dines et al. 2020. PubMed ID: 31911673). At this time, the clinical significance of this variant is uncertain due to the absence of conclusive functional and genetic evidence.

BRCAlab, Lund University
Classification: Uncertain significance for Breast-ovarian cancer, familial, susceptibility to, 2. Last evaluated: 2020-03-02. Review status: no assertion criteria provided. Collection method: clinical testing. Allele origin: germline. Affected: yes. Not counted in ClinVar's aggregate classification.

Sharing Clinical Reports Project (SCRP)
Classification: Uncertain significance for Breast-ovarian cancer, familial 2. Last evaluated: 2014-06-19. Review status: no assertion criteria provided. Collection method: clinical testing. Allele origin: germline. Not counted in ClinVar's aggregate classification.

Literature cited by the submitters: PubMed 15172753 (cited by 7 submitters); PubMed 28351343 (cited by 4 submitters); PubMed 29470806 (cited by 6 submitters); PubMed 30287823 (cited by 7 submitters); PubMed 27882536 (cited by Quest Diagnostics Nichols Institute San Juan Capistrano and Women's Health and Genetics/Laboratory Corporation of America, LabCorp); PubMed 36243179 (cited by Quest Diagnostics Nichols Institute San Juan Capistrano and Women's Health and Genetics/Laboratory Corporation of America, LabCorp); PubMed 35373174 (cited by 3 submitters); PubMed 33309985 (cited by 3 submitters); PubMed 33471991 (cited by 6 submitters); PubMed 32980694 (cited by 3 submitters); PubMed 31214711 (cited by 3 submitters); PubMed 37731132 (cited by Quest Diagnostics Nichols Institute San Juan Capistrano); PubMed 22895193 (cited by Women's Health and Genetics/Laboratory Corporation of America, LabCorp); PubMed 25348012 (cited by Women's Health and Genetics/Laboratory Corporation of America, LabCorp); PubMed 27974384 (cited by Women's Health and Genetics/Laboratory Corporation of America, LabCorp).